The following is an entry in ClinVar:

NM_018082.6(POLR3B):c.1360A>G (p.Arg454Gly)

Gene: POLR3B (RNA polymerase III subunit B; plus strand). Cytogenetic location: 12q23.3.
Variant type: single nucleotide variant.
Coding change: c.1360A>G on transcript NM_018082.6 (MANE Select); coding-DNA position 1360, A replaced by G.
Protein change: p.Arg454Gly; replaces arginine 454 with glycine.
Molecular consequence: missense variant.
Genome position (GRCh38, 1-based): chr12:106,430,369, A>G. VCF-style: chr12-106430369-A-G. GRCh37 (hg19) VCF-style: chr12-106824147-A-G.
Other names: c.1186A>G, p.Arg396Gly (NM_001160708.2); short protein forms R396G, R454G.
Identifiers: ClinVar variation 4862359 (VCV004862359.1).

ClinVar aggregate classification (germline): Uncertain significance (1 of 4 stars; one submission).

Conditions:
Inborn genetic diseases. Identifiers: MedGen C0950123, MeSH D030342.

Submission:

Ambry Genetics
Classification: Uncertain significance for Inborn genetic diseases. Last evaluated: 2026-05-20. Review status: criteria provided, single submitter. Criteria: Ambry Variant Classification Scheme 2023. Collection method: clinical testing. Allele origin: germline.
Comment: The c.1360A>G (p.R454G) alteration is located in exon 14 (coding exon 14) of the POLR3B gene. This alteration results from a A to G substitution at nucleotide position 1360, causing the arginine (R) at amino acid position 454 to be replaced by a glycine (G). Based on data from gnomAD, the G allele has an overall frequency of <0.001% (1/250946) total alleles studied. The highest observed frequency was 0.001% (1/113294) of European (non-Finnish) alleles. Based on insufficient or conflicting evidence, the clinical significance of this alteration remains unclear.